The following is an entry in ClinVar:

NM_004373.4(COX6A1):c.292C>T (p.His98Tyr)

Gene: COX6A1 (cytochrome c oxidase subunit 6A1; plus strand). Cytogenetic location: 12q24.31.
Variant type: single nucleotide variant.
Coding change: c.292C>T on transcript NM_004373.4 (MANE Select); coding-DNA position 292, C replaced by T.
Protein change: p.His98Tyr; replaces histidine 98 with tyrosine.
Molecular consequence: missense variant.
Genome position (GRCh38, 1-based): chr12:120,440,499, C>T. VCF-style: chr12-120440499-C-T. GRCh37 (hg19) VCF-style: chr12-120878302-C-T.
Other names: p.His98Tyr; c.292C>T (NM_004373.2); short protein forms H98Y.
Identifiers: ClinVar variation 1424370 (VCV001424370.7), dbSNP rs145932304, ClinGen allele CA6828068.

ClinVar aggregate classification (germline): Uncertain significance. Review status: criteria provided, multiple submitters, no conflicts (2 of 4 stars). 4 submissions from 4 submitters: Uncertain significance (4). Last evaluated 2025-06-04.

Allele frequency attached by ClinVar (database versions not stated): gnomAD exomes 0.00008 and 0.00020; gnomAD 0.00015 and 0.00016; ExAC 0.00008; ESP Exome Variant Server 0.00008.
gnomAD v4.1: 304 of 1,613,300 alleles (0.019%); highest among the groups gnomAD compares: Non-Finnish European, 0.025%; no homozygotes.

Submissions (4):

Women's Health and Genetics/Laboratory Corporation of America, LabCorp
Classification: Uncertain significance. Last evaluated: 2025-06-04. Review status: criteria provided, single submitter. Criteria: LabCorp Variant Classification Summary - May 2015. Collection method: clinical testing. Allele origin: germline.
Comment: Variant summary: COX6A1 c.292C>T (p.His98Tyr) results in a conservative amino acid change in the encoded protein sequence. Algorithms developed to predict the effect of missense changes on protein structure and function are either unavailable or do not agree on the potential impact of this missense change. The variant allele was found at a frequency of 7.6e-05 in 251076 control chromosomes. This frequency is not significantly higher than estimated for a pathogenic variant in COX6A1 causing Charcot-Marie-Tooth disease recessive intermediate D (7.6e-05 vs 0.0011), allowing no conclusion about variant significance. To our knowledge, no occurrence of c.292C>T in individuals affected with Charcot-Marie-Tooth disease recessive intermediate D and no experimental evidence demonstrating its impact on protein function have been reported. ClinVar contains an entry for this variant (Variation ID: 1424370). Based on the evidence outlined above, the variant was classified as uncertain significance.

Ambry Genetics
Classification: Uncertain significance. Last evaluated: 2025-04-11. Review status: criteria provided, single submitter. Criteria: Ambry Variant Classification Scheme 2023. Collection method: clinical testing. Allele origin: germline.

Mayo Clinic Laboratories, Mayo Clinic
Classification: Uncertain significance. Last evaluated: 2024-07-24. Review status: criteria provided, single submitter. Criteria: ACMG Guidelines, 2015. Collection method: clinical testing. Allele origin: germline. Observed: 1 variant allele.
Comment: BP4_moderate, PM2

Labcorp Genetics (formerly Invitae), Labcorp
Classification: Uncertain significance. Last evaluated: 2022-08-10. Review status: criteria provided, single submitter. Criteria: Invitae Variant Classification Sherloc (09022015). Collection method: clinical testing. Allele origin: germline.
Comment: This sequence change replaces histidine, which is basic and polar, with tyrosine, which is neutral and polar, at codon 98 of the COX6A1 protein (p.His98Tyr). This variant is present in population databases (rs145932304, gnomAD 0.01%). This variant has not been reported in the literature in individuals affected with COX6A1-related conditions. ClinVar contains an entry for this variant (Variation ID: 1424370). Algorithms developed to predict the effect of missense changes on protein structure and function (SIFT, PolyPhen-2, Align-GVGD) all suggest that this variant is likely to be tolerated. In summary, the available evidence is currently insufficient to determine the role of this variant in disease. Therefore, it has been classified as a Variant of Uncertain Significance.